The following is an entry in ClinVar:

ClinVar aggregate classification (germline): Likely pathogenic. Review status: criteria provided, multiple submitters, no conflicts (2 of 4 stars). 2 submissions from 2 submitters: Likely pathogenic (2). Last evaluated 2026-01-06.

Conditions:
Mitochondrial complex I deficiency. Also called: NADH:Q(1) OXIDOREDUCTASE DEFICIENCY. Identifiers: Orphanet 2609, MedGen C1838979, MeSH C537475, MONDO:0100133.
Mitochondrial complex I deficiency, nuclear type 9. Also called: Mitochondrial complex 1 deficiency, nuclear type 9. Identifiers: MedGen C4748767, MONDO:0032615, OMIM 618232.

Submissions (2):

Natera, Inc.
Classification: Likely pathogenic for Mitochondrial complex I deficiency. Last evaluated: 2026-01-06. Review status: criteria provided, single submitter. Criteria: Natera Variant Classification Schema (03/2026). Collection method: clinical testing. Allele origin: germline.
Comment: The c.185_186del variant in NDUFS6 is a frameshift variant predicted to shift the reading frame beginning at codon 62 and leads to a stop codon 3 codons downstream. This variant is expected to result in nonsense mediated decay, truncation, or a dysfunctional protein product. This variant is rare in the general population with a frequency below the threshold expected for the associated phenotype(s). Given the available evidence, this variant is classified as Likely Pathogenic.

Baylor Genetics
Classification: Likely pathogenic for Mitochondrial complex I deficiency, nuclear type 9. Last evaluated: 2024-02-24. Review status: criteria provided, single submitter. Criteria: ACMG Guidelines, 2015. Collection method: clinical testing. Allele origin: unknown.

NM_004553.6(NDUFS6):c.185_186del (p.Glu62fs)

Gene: NDUFS6 (NADH:ubiquinone oxidoreductase subunit S6; plus strand). Cytogenetic location: 5p15.33.
Variant type: Microsatellite.
Coding change: c.185_186del on transcript NM_004553.6 (MANE Select); coding-DNA positions 185 to 186, 2 bases deleted (AG; older notation c.185_186delAG).
Protein change: p.Glu62fs; shifts the reading frame from glutamic acid 62.
Molecular consequence: frameshift variant.
Genome position (GRCh38, 1-based): chr5:1,802,373-1,802,374, AG deleted; deleting any 2 consecutive bases within chr5:1,802,371-1,802,374 gives the same sequence; the c. name uses the placement nearest the transcript's 3' end. VCF-style (leftmost placement, unchanged base first): chr5-1802370-AAG-A. GRCh37 (hg19) VCF-style: chr5-1802484-AAG-A.
Other names: c.185_186del (NM_004553.4); short protein forms E62fs.
Identifiers: ClinVar variation 3239851 (VCV003239851.2), dbSNP rs1561102612.
Genomic context (GRCh38, chr5:1,802,370, plus strand): 5'-TTTTTTTCCAGGTTTATGATGATAAAGACTACAGGAGAATTCGGTTTGTAGGTCGTCAGA[AAG>A]AGGTGAGTAAAAAATCTAGTGAAGAGAGGTAAGCTTTCCTAAAACTTTTATGTAACCAAC-3'